The following is an entry in ClinVar:

NM_015102.5(NPHP4):c.3169G>A (p.Glu1057Lys)

Gene: NPHP4 (nephrocystin 4; minus strand). Cytogenetic location: 1p36.31.
Variant type: single nucleotide variant.
Coding change: c.3169G>A on transcript NM_015102.5 (MANE Select); coding-DNA position 3169, G replaced by A.
Protein change: p.Glu1057Lys; replaces glutamic acid 1057 with lysine.
Molecular consequence: missense variant. On other transcripts: non-coding transcript variant (1).
Genome position (GRCh38, 1-based): chr1:5,874,533, C>T on the plus strand (G>A on the coding strand, the complement: NPHP4 is on the minus strand). VCF-style: chr1-5874533-C-T. GRCh37 (hg19) VCF-style: chr1-5934593-C-T.
Other names: c.1630G>A, p.Glu544Lys (NM_001291593.2); c.1633G>A, p.Glu545Lys (NM_001291594.2); c.3169G>A (NM_015102.3); short protein forms E1057K, E544K, E545K.
Identifiers: ClinVar variation 594536 (VCV000594536.16), dbSNP rs755465110, ClinGen allele CA553772.

ClinVar aggregate classification (germline): Uncertain significance. Review status: criteria provided, multiple submitters, no conflicts (2 of 4 stars). 4 submissions from 4 submitters: Uncertain significance (3). 1 of the submissions does not count toward it. Last evaluated 2024-10-16.

Conditions:
NPHP4-related disorder. Also called: NPHP4-related disorders; NPHP4-related condition. Identifiers: MedGen CN239384.
Nephronophthisis. Also called: Juvenile Nephronophthisis. Identifiers: Orphanet 655, MedGen C0687120, MONDO:0019005, HP:0000090.
Inborn genetic diseases. Identifiers: MedGen C0950123, MeSH D030342.

Allele frequency attached by ClinVar (database versions not stated): TOPMed 0.00004; gnomAD 0.00006; gnomAD exomes 0.00007; ExAC 0.00023.
gnomAD v4.1: 79 of 1,594,376 alleles (0.005%); highest among the groups gnomAD compares: South Asian, 0.018%; 1 homozygote.

Submissions (4):

Ambry Genetics
Classification: Uncertain significance for Inborn genetic diseases. Last evaluated: 2024-10-16. Review status: criteria provided, single submitter. Criteria: Ambry Variant Classification Scheme 2023. Collection method: clinical testing. Allele origin: germline.

Labcorp Genetics (formerly Invitae), Labcorp
Classification: Uncertain significance for Nephronophthisis. Last evaluated: 2024-02-27. Review status: criteria provided, single submitter. Criteria: Invitae Variant Classification Sherloc (09022015). Collection method: clinical testing. Allele origin: germline.
Comment: This sequence change replaces glutamic acid, which is acidic and polar, with lysine, which is basic and polar, at codon 1057 of the NPHP4 protein (p.Glu1057Lys). This variant is present in population databases (rs755465110, gnomAD 0.02%). This variant has not been reported in the literature in individuals affected with NPHP4-related conditions. ClinVar contains an entry for this variant (Variation ID: 594536). Advanced modeling of protein sequence and biophysical properties (such as structural, functional, and spatial information, amino acid conservation, physicochemical variation, residue mobility, and thermodynamic stability) performed at Invitae indicates that this missense variant is expected to disrupt NPHP4 protein function with a positive predictive value of 80%. In summary, the available evidence is currently insufficient to determine the role of this variant in disease. Therefore, it has been classified as a Variant of Uncertain Significance.

Eurofins Ntd Llc (ga)
Classification: Uncertain significance. Last evaluated: 2017-10-13. Review status: criteria provided, single submitter. Criteria: EGL Classification Definitions 2015. Collection method: clinical testing. Allele origin: germline. Observed: 2 variant alleles, 2 heterozygotes.

PreventionGenetics, part of Exact Sciences
Classification: Uncertain significance for NPHP4-related condition. Last evaluated: 2024-09-10. Review status: no assertion criteria provided. Collection method: clinical testing. Allele origin: germline. Not counted in ClinVar's aggregate classification.
Comment: The NPHP4 c.3169G>A variant is predicted to result in the amino acid substitution p.Glu1057Lys. To our knowledge, this variant has not been reported in the literature. This variant is reported in 0.019% of alleles in individuals of South Asian descent in gnomAD. At this time, the clinical significance of this variant is uncertain due to the absence of conclusive functional and genetic evidence.